The following is an entry in ClinVar:

NM_144991.3(TSPEAR):c.550G>A (p.Asp184Asn)

Gene: TSPEAR (thrombospondin type laminin G domain and EAR repeats; minus strand). Cytogenetic location: 21q22.3.
Variant type: single nucleotide variant.
Coding change: c.550G>A on transcript NM_144991.3 (MANE Select); coding-DNA position 550, G replaced by A.
Protein change: p.Asp184Asn; replaces aspartic acid 184 with asparagine.
Molecular consequence: missense variant.
Genome position (GRCh38, 1-based): chr21:44,531,126, C>T on the plus strand (G>A on the coding strand, the complement: TSPEAR is on the minus strand). VCF-style: chr21-44531126-C-T. GRCh37 (hg19) VCF-style: chr21-45951009-C-T.
Other names: c.346G>A, p.Asp116Asn (NM_001272037.2); short protein forms D184N, D116N.
Identifiers: ClinVar variation 1429772 (VCV001429772.6), dbSNP rs782130480, ClinGen allele CA10056962.
Genomic context (GRCh38, chr21:44,531,126, plus strand): 5'-TCCGGCTGCCGACGAAGAATCGAGCTCCTTTCACTGACAGGGTGGCTGGGAAGGGCACAT[C>T]GGCCATTCTGAAAATATCAAAGGACTGTGTTAGGGCCATAGGAGAGTGGTCACCCCAGTT-3'
Protein context (NP_659428.2, residues 174-194): DCGLPVDIMA[Asp184Asn]VPFPATLSVK

ClinVar aggregate classification (germline): Uncertain significance (1 of 4 stars; one submission).

gnomAD v4.1: 90 of 1,613,510 alleles (0.0056%); highest among the groups gnomAD compares: Non-Finnish European, 0.0071%; no homozygotes.

Submission:

Labcorp Genetics (formerly Invitae), Labcorp
Classification: Uncertain significance. Last evaluated: 2022-07-12. Review status: criteria provided, single submitter. Criteria: Invitae Variant Classification Sherloc (09022015). Collection method: clinical testing. Allele origin: germline.
Comment: ClinVar contains an entry for this variant (Variation ID: 1429772). Algorithms developed to predict the effect of missense changes on protein structure and function are either unavailable or do not agree on the potential impact of this missense change (SIFT: "Deleterious"; PolyPhen-2: "Probably Damaging"; Align-GVGD: "Class C0"). In summary, the available evidence is currently insufficient to determine the role of this variant in disease. Therefore, it has been classified as a Variant of Uncertain Significance. This sequence change replaces aspartic acid, which is acidic and polar, with asparagine, which is neutral and polar, at codon 184 of the TSPEAR protein (p.Asp184Asn). This variant is present in population databases (rs782130480, gnomAD 0.006%). This variant has not been reported in the literature in individuals affected with TSPEAR-related conditions.